The following is an entry in ClinVar:

ClinVar aggregate classification (germline): Uncertain significance (1 of 4 stars; one submission).

Submission:

Labcorp Genetics (formerly Invitae), Labcorp
Classification: Uncertain significance. Last evaluated: 2024-05-14. Review status: criteria provided, single submitter. Criteria: Invitae Variant Classification Sherloc (09022015). Collection method: clinical testing. Allele origin: germline.
Comment: This sequence change replaces isoleucine, which is neutral and non-polar, with phenylalanine, which is neutral and non-polar, at codon 1021 of the KIDINS220 protein (p.Ile1021Phe). This variant is not present in population databases (gnomAD no frequency). This variant has not been reported in the literature in individuals affected with KIDINS220-related conditions. An algorithm developed to predict the effect of missense changes on protein structure and function (PolyPhen-2) suggests that this variant is likely to be disruptive. In summary, the available evidence is currently insufficient to determine the role of this variant in disease. Therefore, it has been classified as a Variant of Uncertain Significance.

NM_020738.4(KIDINS220):c.3061A>T (p.Ile1021Phe)

Gene: KIDINS220 (kinase D interacting substrate 220; minus strand). Cytogenetic location: 2p25.1.
Variant type: single nucleotide variant.
Coding change: c.3061A>T on transcript NM_020738.4 (MANE Select); coding-DNA position 3061, A replaced by T.
Protein change: p.Ile1021Phe; replaces isoleucine 1021 with phenylalanine.
Molecular consequence: missense variant. On other transcripts: non-coding transcript variant (2).
Genome position (GRCh38, 1-based): chr2:8,751,595, T>A on the plus strand (A>T on the coding strand, the complement: KIDINS220 is on the minus strand). VCF-style: chr2-8751595-T-A. GRCh37 (hg19) VCF-style: chr2-8891725-T-A.
Other names: c.3064A>T, p.Ile1022Phe (NM_001348729.2, NM_001348731.2, NM_001348734.2 and 2 more transcripts); c.3061A>T, p.Ile1021Phe (NM_001348732.2, NM_001348735.2, NM_001348738.2 and 3 more transcripts); c.2935A>T, p.Ile979Phe (NM_001348736.2); short protein forms I1022F, I1021F, I979F.
Identifiers: ClinVar variation 3697746 (VCV003697746.2).